The following is an entry in ClinVar:

NM_017763.6(RNF43):c.687G>A (p.Pro229=)

Gene: RNF43 (ring finger protein 43; minus strand). Cytogenetic location: 17q22.
Variant type: single nucleotide variant.
Coding change: c.687G>A on transcript NM_017763.6 (MANE Select); coding-DNA position 687, G replaced by A.
Protein change: p.Pro229=; no amino-acid change (proline 229 retained).
Molecular consequence: synonymous variant.
Genome position (GRCh38, 1-based): chr17:58,362,544, C>T on the plus strand (G>A on the coding strand, the complement: RNF43 is on the minus strand). VCF-style: chr17-58362544-C-T. GRCh37 (hg19) VCF-style: chr17-56439905-C-T.
Other names: c.687G>A, p.Pro229= (NM_001305544.3); c.306G>A, p.Pro102= (NM_001305545.2).
Identifiers: ClinVar variation 859421 (VCV000859421.11), dbSNP rs779321417, ClinGen allele CA8673344.

ClinVar aggregate classification (germline): Uncertain significance. Review status: criteria provided, multiple submitters, no conflicts (2 of 4 stars). 5 submissions from 5 submitters: Uncertain significance (5). Last evaluated 2026-09-04.

Conditions:
Sessile serrated polyposis cancer syndrome (SSPCS). Identifiers: Orphanet 157798, MedGen C4310714, MONDO:0014919, OMIM 617108.
Inherited polyposis and early onset colorectal cancer - germline testing.

Allele frequency attached by ClinVar (database versions not stated): gnomAD exomes 0.00002; ExAC 0.00003; TOPMed 0.00003; gnomAD 0.00004.
gnomAD v4.1: 79 of 1,607,532 alleles (0.0049%); highest among the groups gnomAD compares: Non-Finnish European, 0.0066%; no homozygotes.

Submissions (5):

Genomics and Molecular Medicine Service, East Genomic Laboratory Hub, NHS Genomic Medicine Service
Classification: Uncertain significance for Inherited polyposis and early onset colorectal cancer - germline testing. Last evaluated: 2026-09-04. Review status: criteria provided, single submitter. Criteria: ACGS Best Practice Guidelines for Variant Classification in Rare Disease 2020. Collection method: clinical testing. Allele origin: germline. Affected: yes.
Comment: PP3

Ambry Genetics
Classification: Uncertain significance. Last evaluated: 2025-08-19. Review status: criteria provided, single submitter. Criteria: Ambry Variant Classification Scheme 2023. Collection method: clinical testing. Allele origin: germline.
Comment: The c.687G>A variant (also known as p.P229P), located in coding exon 5 of the RNF43 gene, results from a G to A substitution at nucleotide position 687. This nucleotide substitution does not change the amino acid at codon 229. However, this change occurs in the last base pair of coding exon 5, which makes it likely to have some effect on normal mRNA splicing. This nucleotide position is well conserved in available vertebrate species. In silico splice site analysis predicts that this alteration may weaken the native splice donor site and will result in the creation or strengthening of a novel splice donor site. The evidence for this gene-disease relationship is limited; therefore, the clinical significance of this alteration is unclear.

Labcorp Genetics (formerly Invitae), Labcorp
Classification: Uncertain significance. Last evaluated: 2025-03-27. Review status: criteria provided, single submitter. Criteria: Invitae Variant Classification Sherloc (09022015). Collection method: clinical testing. Allele origin: germline.
Comment: This sequence change affects codon 229 of the RNF43 mRNA. It is a 'silent' change, meaning that it does not change the encoded amino acid sequence of the RNF43 protein. This variant also falls at the last nucleotide of exon 6, which is part of the consensus splice site for this exon. This variant is present in population databases (rs779321417, gnomAD 0.004%). This variant has not been reported in the literature in individuals affected with RNF43-related conditions. ClinVar contains an entry for this variant (Variation ID: 859421). Variants that disrupt the consensus splice site are a relatively common cause of aberrant splicing (PMID: 17576681, 9536098). Algorithms developed to predict the effect of sequence changes on RNA splicing suggest that this variant may disrupt the consensus splice site. In summary, the available evidence is currently insufficient to determine the role of this variant in disease. Therefore, it has been classified as a Variant of Uncertain Significance.

GeneDx
Classification: Uncertain significance. Last evaluated: 2024-06-17. Review status: criteria provided, single submitter. Criteria: GeneDx Variant Classification Process June 2021. Collection method: clinical testing. Allele origin: germline. Affected: yes.
Comment: Not observed at significant frequency in large population cohorts (gnomAD); In silico analysis supports a deleterious effect on splicing; Has not been previously published as pathogenic or benign to our knowledge; This variant is associated with the following publications: (PMID: 36419139)

Department of Pathology and Laboratory Medicine, Sinai Health System
Classification: Uncertain significance for Sessile serrated polyposis cancer syndrome. Last evaluated: 2024-05-07. Review status: criteria provided, single submitter. Criteria: ACMG Guidelines, 2015. Collection method: clinical testing. Allele origin: germline. Affected: no.

Literature cited by the submitters: PubMed 17576681 (cited by Labcorp Genetics (formerly Invitae), Labcorp); PubMed 9536098 (cited by Labcorp Genetics (formerly Invitae), Labcorp).